The following is an entry in ClinVar:

NM_005555.4(KRT6B):c.180T>C (p.Ser60=)

Gene: KRT6B (keratin 6B; minus strand). Cytogenetic location: 12q13.13.
Variant type: single nucleotide variant.
Coding change: c.180T>C on transcript NM_005555.4 (MANE Select); coding-DNA position 180, T replaced by C.
Protein change: p.Ser60=; no amino-acid change (serine 60 retained).
Molecular consequence: synonymous variant.
Genome position (GRCh38, 1-based): chr12:52,451,899, A>G on the plus strand (T>C on the coding strand, the complement: KRT6B is on the minus strand). VCF-style: chr12-52451899-A-G. GRCh37 (hg19) VCF-style: chr12-52845683-A-G.
Identifiers: ClinVar variation 3037279 (VCV003037279.2), dbSNP rs747994676, ClinGen allele CA6580919.

ClinVar aggregate classification (germline): Likely benign (0 of 4 stars; one submission).

Conditions:
KRT6B-related disorder. Also called: KRT6B-related condition.

Allele frequency attached by ClinVar (database versions not stated): ExAC 0.00020.

Submission:

PreventionGenetics, part of Exact Sciences
Classification: Likely benign for KRT6B-related condition. Last evaluated: 2024-01-03. Review status: no assertion criteria provided. Collection method: clinical testing. Allele origin: germline.
Comment: This variant is classified as likely benign based on ACMG/AMP sequence variant interpretation guidelines (Richards et al. 2015 PMID: 25741868, with internal and published modifications).